The following is an entry in ClinVar:

ClinVar aggregate classification (germline): Uncertain significance (1 of 4 stars; one submission).

Conditions:
Osteogenesis imperfecta type I (OI1). Also called: Osteogenesis imperfecta type 1; Lobstein's Disease; OI, TYPE I; OSTEOGENESIS IMPERFECTA TARDA; OSTEOGENESIS IMPERFECTA WITH BLUE SCLERAE; Lobstein disease. Identifiers: Orphanet 216796, Orphanet 666, MedGen C0023931, MONDO:0008146, OMIM 166200. Disease mechanism: loss of function.

Submission:

Labcorp Genetics (formerly Invitae), Labcorp
Classification: Uncertain significance for Osteogenesis imperfecta type I. Last evaluated: 2025-10-26. Review status: criteria provided, single submitter. Criteria: Invitae Variant Classification Sherloc (09022015). Collection method: clinical testing. Allele origin: germline.
Comment: This sequence change falls in intron 30 of the COL1A1 gene. It does not directly change the encoded amino acid sequence of the COL1A1 protein. It affects a nucleotide within the consensus splice site. This variant is not present in population databases (gnomAD no frequency). This variant has not been reported in the literature in individuals affected with COL1A1-related conditions. Variants that disrupt the consensus splice site are a relatively common cause of aberrant splicing (PMID: 17576681, 9536098). Algorithms developed to predict the effect of sequence changes on RNA splicing suggest that this variant may disrupt the consensus splice site. In summary, the available evidence is currently insufficient to determine the role of this variant in disease. Therefore, it has been classified as a Variant of Uncertain Significance.

Literature cited by the submitters: PubMed 17576681; PubMed 9536098.

NM_000088.4(COL1A1):c.2029-3T>G

Gene: COL1A1 (collagen type I alpha 1 chain; minus strand). Cytogenetic location: 17q21.33.
Variant type: single nucleotide variant.
Coding change: c.2029-3T>G on transcript NM_000088.4 (MANE Select); 3 bases into the intron before coding-DNA position 2029, T replaced by G.
Molecular consequence: intron variant.
Genome position (GRCh38, 1-based): chr17:50,191,889, A>C on the plus strand (T>G on the coding strand, the complement: COL1A1 is on the minus strand). VCF-style: chr17-50191889-A-C. GRCh37 (hg19) VCF-style: chr17-48269250-A-C.
Identifiers: ClinVar variation 4729960 (VCV004729960.1).